The following is an entry in ClinVar:

ClinVar aggregate classification (germline): Uncertain significance (1 of 4 stars; one submission).

Conditions:
Candidiasis, familial, 9 (CANDF9). Identifiers: Orphanet 1334, MedGen C4225324, MONDO:0014642, OMIM 616445.

gnomAD v4.1: 8 of 1,546,912 alleles (0.00052%); highest among the groups gnomAD compares: East Asian, 0.0023%; no homozygotes.

Submission:

Labcorp Genetics (formerly Invitae), Labcorp
Classification: Uncertain significance for Candidiasis, familial, 9. Last evaluated: 2024-11-06. Review status: criteria provided, single submitter. Criteria: Invitae Variant Classification Sherloc (09022015). Collection method: clinical testing. Allele origin: germline.
Comment: This sequence change replaces arginine, which is basic and polar, with histidine, which is basic and polar, at codon 614 of the IL17RC protein (p.Arg614His). This variant is present in population databases (rs776236793, gnomAD 0.007%). This variant has not been reported in the literature in individuals affected with IL17RC-related conditions. An algorithm developed to predict the effect of missense changes on protein structure and function (PolyPhen-2) suggests that this variant is likely to be disruptive. In summary, the available evidence is currently insufficient to determine the role of this variant in disease. Therefore, it has been classified as a Variant of Uncertain Significance.

NM_153460.4(IL17RC):c.1628G>A (p.Arg543His)

Gene: IL17RC (interleukin 17 receptor C; plus strand). Cytogenetic location: 3p25.3.
Variant type: single nucleotide variant.
Coding change: c.1628G>A on transcript NM_153460.4 (MANE Select); coding-DNA position 1628, G replaced by A.
Protein change: p.Arg543His; replaces arginine 543 with histidine.
Molecular consequence: missense variant. On other transcripts: non-coding transcript variant (1).
Genome position (GRCh38, 1-based): chr3:9,933,058, G>A. VCF-style: chr3-9933058-G-A. GRCh37 (hg19) VCF-style: chr3-9974742-G-A.
Other names: c.1589G>A, p.Arg530His (NM_001203263.2); c.1538G>A, p.Arg513His (NM_001203264.2); c.1532G>A, p.Arg511His (NM_001203265.2); c.1550G>A, p.Arg517His (NM_001367278.1); c.1469G>A, p.Arg490His (NM_001367279.1); c.1544G>A, p.Arg515His (NM_001367280.1); c.1493G>A, p.Arg498His (NM_001410711.1); c.1583G>A, p.Arg528His (NM_032732.6); and 1 more; short protein forms R498H, R614H, R513H, R515H, R528H, R490H, R511H, R517H.
Identifiers: ClinVar variation 3678080 (VCV003678080.2).